The following is an entry in ClinVar:

ClinVar aggregate classification (germline): Pathogenic (1 of 4 stars; one submission).

Conditions:
Familial cancer of breast. Also called: hereditary breast carcinoma; Hereditary breast cancer; BREAST CANCER, FAMILIAL. Identifiers: Orphanet 227535, MedGen C0346153, MONDO:0016419, OMIM 114480. Disease mechanism: loss of function.

Submission:

Labcorp Genetics (formerly Invitae), Labcorp
Classification: Pathogenic for Familial cancer of breast. Last evaluated: 2022-01-03. Review status: criteria provided, single submitter. Criteria: Invitae Variant Classification Sherloc (09022015). Collection method: clinical testing. Allele origin: germline.
Comment: This sequence change creates a premature translational stop signal (p.Cys284Serfs*20) in the CHEK2 gene. It is expected to result in an absent or disrupted protein product. Loss-of-function variants in CHEK2 are known to be pathogenic (PMID: 21876083, 24713400). This variant is not present in population databases (gnomAD no frequency). This variant has not been reported in the literature in individuals affected with CHEK2-related conditions. For these reasons, this variant has been classified as Pathogenic.

Literature cited by the submitters: PubMed 21876083; PubMed 24713400.

NM_007194.4(CHEK2):c.851del (p.Cys284fs)

Gene: CHEK2 (checkpoint kinase 2; minus strand). Cytogenetic location: 22q12.1.
Variant type: Deletion.
Coding change: c.851del on transcript NM_007194.4 (MANE Select); coding-DNA position 851, one base deleted (G; older notation c.851delG).
Protein change: p.Cys284fs; shifts the reading frame from cysteine 284.
Molecular consequence: frameshift variant.
Genome position (GRCh38, 1-based): chr22:28,703,562, C deleted on the plus strand (G on the coding strand, the reverse complement: CHEK2 is on the minus strand). VCF-style (leftmost placement, unchanged base first): chr22-28703561-GC-G. GRCh37 (hg19) VCF-style: chr22-29099549-GC-G.
Other names: c.980delG, p.Cys327Serfs (NM_001005735.3); c.188delG, p.Cys63Serfs (NM_001257387.3); c.650delG, p.Cys217Serfs (NM_001349956.3); c.851delG, p.Cys284Serfs (NM_145862.3); short protein forms C327fs, C217fs, C63fs, C284fs.
Identifiers: ClinVar variation 2071938 (VCV002071938.4), dbSNP rs2517887531, ClinGen allele CA2580099385.